The following is an entry in ClinVar:

NM_000551.4(VHL):c.119C>A (p.Pro40Gln)

Gene: VHL (von Hippel-Lindau tumor suppressor; plus strand). Cytogenetic location: 3p25.3.
Variant type: single nucleotide variant.
Coding change: c.119C>A on transcript NM_000551.4 (MANE Select); coding-DNA position 119, C replaced by A.
Protein change: p.Pro40Gln; replaces proline 40 with glutamine.
Molecular consequence: missense variant. On other transcripts: non-coding transcript variant (1).
Genome position (GRCh38, 1-based): chr3:10,141,966, C>A. VCF-style: chr3-10141966-C-A. GRCh37 (hg19) VCF-style: chr3-10183650-C-A.
Other names: c.119C>A, p.Pro40Gln (NM_001354723.2, NM_198156.3); short protein forms P40Q.
Identifiers: ClinVar variation 2934082 (VCV002934082.4), dbSNP rs200343185, ClinGen allele CA351747894.
Genomic context (GRCh38, chr3:10,141,966, plus strand): 5'-TCGAAGAGTACGGCCCTGAAGAAGACGGCGGGGAGGAGTCGGGCGCCGAGGAGTCCGGCC[C>A]GGAAGAGTCCGGCCCGGAGGAACTGGGCGCCGAGGAGGAGATGGAGGCCGGGCGGCCGCG-3'
Protein context (NP_000542.1, residues 30-50): GEESGAEESG[Pro40Gln]EESGPEELGA

ClinVar aggregate classification (germline): Conflicting classifications of pathogenicity. Review status: criteria provided, conflicting classifications (1 of 4 stars). 2 submissions from 2 submitters: Uncertain significance (1); Benign (1). Last evaluated 2026-04-02.

Conditions:
Chuvash polycythemia. Also called: POLYCYTHEMIA, VHL-DEPENDENT. Identifiers: Orphanet 238557, MedGen C1837915, MONDO:0009892, OMIM 263400.
Von Hippel-Lindau syndrome (VHLS). Also called: von Hippel–Lindau syndrome; VHL syndrome; Von Hippel-Lindau. Identifiers: Orphanet 892, MedGen C0019562, MONDO:0008667, OMIM 193300. Disease mechanism: loss of function.
Hereditary cancer-predisposing syndrome. Also called: Hereditary neoplastic syndrome; Neoplastic Syndromes, Hereditary; Tumor predisposition; Hereditary Cancer Syndrome. Identifiers: Orphanet 140162, MedGen C0027672, MeSH D009386, MONDO:0015356.

Submissions (2):

Ambry Genetics
Classification: Benign for Hereditary cancer-predisposing syndrome. Last evaluated: 2026-04-02. Review status: criteria provided, single submitter. Criteria: Ambry Variant Classification Scheme 2023. Collection method: clinical testing. Allele origin: germline.

Labcorp Genetics (formerly Invitae), Labcorp
Classification: Uncertain significance for Von Hippel-Lindau syndrome; Chuvash polycythemia. Last evaluated: 2023-06-17. Review status: criteria provided, single submitter. Criteria: Invitae Variant Classification Sherloc (09022015). Collection method: clinical testing. Allele origin: germline.
Comment: In summary, the available evidence is currently insufficient to determine the role of this variant in disease. Therefore, it has been classified as a Variant of Uncertain Significance. Algorithms developed to predict the effect of missense changes on protein structure and function output the following: SIFT: "Not Available"; PolyPhen-2: "Possibly Damaging"; Align-GVGD: "Not Available". The glutamine amino acid residue is found in multiple mammalian species, which suggests that this missense change does not adversely affect protein function. This variant has not been reported in the literature in individuals affected with VHL-related conditions. This variant is not present in population databases (gnomAD no frequency). This sequence change replaces proline, which is neutral and non-polar, with glutamine, which is neutral and polar, at codon 40 of the VHL protein (p.Pro40Gln).